The following is an entry in ClinVar:

ClinVar aggregate classification (germline): Uncertain significance (1 of 4 stars; one submission).

Conditions:
Early-infantile DEE. Also called: Ohtahara syndrome; Early infantile epileptic encephalopathy with suppression bursts; Early infantile epileptic encephalopathy. Identifiers: Orphanet 1934, MedGen C0393706, MONDO:0800491.

Submission:

Labcorp Genetics (formerly Invitae), Labcorp
Classification: Uncertain significance for Early-infantile DEE. Last evaluated: 2025-01-19. Review status: criteria provided, single submitter. Criteria: Invitae Variant Classification Sherloc (09022015). Collection method: clinical testing. Allele origin: germline.
Comment: This sequence change replaces serine, which is neutral and polar, with phenylalanine, which is neutral and non-polar, at codon 42 of the ARHGEF15 protein (p.Ser42Phe). This variant is present in population databases (no rsID available, gnomAD 0.002%). This variant has not been reported in the literature in individuals affected with ARHGEF15-related conditions. An algorithm developed to predict the effect of missense changes on protein structure and function (PolyPhen-2) suggests that this variant is likely to be disruptive. In summary, the available evidence is currently insufficient to determine the role of this variant in disease. Therefore, it has been classified as a Variant of Uncertain Significance.

NM_173728.4(ARHGEF15):c.125C>T (p.Ser42Phe)

Gene: ARHGEF15 (Rho guanine nucleotide exchange factor 15; plus strand). Cytogenetic location: 17p13.1.
Variant type: single nucleotide variant.
Coding change: c.125C>T on transcript NM_173728.4 (MANE Select); coding-DNA position 125, C replaced by T.
Protein change: p.Ser42Phe; replaces serine 42 with phenylalanine.
Molecular consequence: missense variant.
Genome position (GRCh38, 1-based): chr17:8,312,164, C>T. VCF-style: chr17-8312164-C-T. GRCh37 (hg19) VCF-style: chr17-8215482-C-T.
Other names: c.125C>T, p.Ser42Phe (NM_025014.2); short protein forms S42F.
Identifiers: ClinVar variation 3671195 (VCV003671195.2).